The following is an entry in ClinVar:

NM_013382.7(POMT2):c.1385A>G (p.Lys462Arg)

Gene: POMT2 (protein O-mannosyltransferase 2; minus strand). Cytogenetic location: 14q24.3.
Variant type: single nucleotide variant.
Coding change: c.1385A>G on transcript NM_013382.7 (MANE Select); coding-DNA position 1385, A replaced by G.
Protein change: p.Lys462Arg; replaces lysine 462 with arginine.
Molecular consequence: missense variant.
Genome position (GRCh38, 1-based): chr14:77,285,580, T>C on the plus strand (A>G on the coding strand, the complement: POMT2 is on the minus strand). VCF-style: chr14-77285580-T-C. GRCh37 (hg19) VCF-style: chr14-77751923-T-C.
Other names: short protein forms K462R.
Identifiers: ClinVar variation 2091326 (VCV002091326.4), dbSNP rs2503197488, ClinGen allele CA390517500.
Genomic context (GRCh38, chr14:77,285,580, plus strand): 5'-CCTGTGACCAAATGGATGAAGCGAATTCGACTTCTCAGCACTTTGATCCGGTTTCCAAAT[T>C]TCCTGTTTACGACCTCAATCCGCCAGAAATCATTTGAGTCCCCTGTTCCATTCTGCCATA-3'
Protein context (NP_037514.2, residues 452-472): DFWRIEVVNR[Lys462Arg]FGNRIKVLRS

ClinVar aggregate classification (germline): Uncertain significance (1 of 4 stars; one submission).

Conditions:
Muscular dystrophy-dystroglycanopathy (congenital with brain and eye anomalies), type A2. Also called: MUSCULAR DYSTROPHY-DYSTROGLYCANOPATHY (CONGENITAL WITH BRAIN AND EYE ANOMALIES), TYPE A, 2; WALKER-WARBURG SYNDROME OR MUSCLE-EYE-BRAIN DISEASE, POMT2-RELATED. Identifiers: Orphanet 588, Orphanet 899, MedGen C3150411, MONDO:0013154, OMIM 613150.
Autosomal recessive limb-girdle muscular dystrophy type 2N. Also called: MUSCULAR DYSTROPHY-DYSTROGLYCANOPATHY, LIMB-GIRDLE, POMT2-RELATED; Muscular dystrophy-dystroglycanopathy (limb-girdle), type C, 2. Identifiers: Orphanet 206559, MedGen C3150418, MONDO:0013162, OMIM 613158.
Muscular dystrophy-dystroglycanopathy (congenital with impaired intellectual development), type B, 2. Also called: Muscular dystrophy-dystroglycanopathy (congenital with intellectual disability), type B2; MUSCULAR DYSTROPHY, CONGENITAL, POMT2-RELATED. Identifiers: MedGen C3150416, MONDO:0013160, OMIM 613156.

Allele frequency attached by ClinVar (database versions not stated): gnomAD exomes 0.00002.
gnomAD v4.1: 25 of 1,613,932 alleles (0.0015%); highest among the groups gnomAD compares: Non-Finnish European, 0.002%; no homozygotes.

Submission:

Labcorp Genetics (formerly Invitae), Labcorp
Classification: Uncertain significance for Muscular dystrophy-dystroglycanopathy (congenital with impaired intellectual development), type B, 2; Muscular dystrophy-dystroglycanopathy (congenital with brain and eye anomalies), type A2; Autosomal recessive limb-girdle muscular dystrophy type 2N. Last evaluated: 2022-02-01. Review status: criteria provided, single submitter. Criteria: Invitae Variant Classification Sherloc (09022015). Collection method: clinical testing. Allele origin: germline.
Comment: In summary, the available evidence is currently insufficient to determine the role of this variant in disease. Therefore, it has been classified as a Variant of Uncertain Significance. Algorithms developed to predict the effect of missense changes on protein structure and function (SIFT, PolyPhen-2, Align-GVGD) all suggest that this variant is likely to be tolerated. This variant has not been reported in the literature in individuals affected with POMT2-related conditions. This variant is not present in population databases (gnomAD no frequency). This sequence change replaces lysine, which is basic and polar, with arginine, which is basic and polar, at codon 462 of the POMT2 protein (p.Lys462Arg).